The following is an entry in ClinVar:

ClinVar aggregate classification (germline): Benign. Review status: reviewed by expert panel (3 of 4 stars). 22 submissions from 20 submitters: Benign (1). 21 of the submissions do not count toward it. Last evaluated 2025-11-11.

Conditions:
Cardiovascular phenotype. Identifiers: MedGen CN230736.
Myosin storage myopathy (CMYO7A). Also called: MYOPATHY WITH LYSIS OF TYPE I MYOFIBRILS; MYOPATHY, HYALINE BODY, AUTOSOMAL DOMINANT; MYH7-related late-onset scapuloperoneal muscular dystrophy; Congenital myopathy 7A, myosin storage, autosomal dominant; SCAPULOPERONEAL MUSCULAR DYSTROPHY; SCAPULOPERONEAL SYNDROME, MYOPATHIC TYPE. Identifiers: Orphanet 437572, Orphanet 636965, MedGen C1842160, MONDO:0008409, OMIM 608358.
Cardiomyopathy (CMYO). Also called: Cardiomyopathies. Identifiers: Orphanet 167848, MedGen C0878544, MONDO:0004994, HP:0001638. Inheritance: Various modes of inheritance.
MYH7-related skeletal myopathy. Also called: Myopathy, distal, 1; Laing distal myopathy; Laing early-onset distal myopathy; MYOPATHY, DISTAL, EARLY-ONSET, AUTOSOMAL DOMINANT; MYOPATHY, LATE DISTAL HEREDITARY. Identifiers: Orphanet 59135, MedGen C4552004, MONDO:0008050, OMIM 160500.
Hypertrophic cardiomyopathy 1 (CMH1). Also called: MYH7-Related Familial Hypertrophic Cardiomyopathy; Familial hypertrophic cardiomyopathy 1. Identifiers: MedGen C3495498, MONDO:0008647, OMIM 192600.
Hypertrophic cardiomyopathy. Also called: HYPERTROPHIC MYOCARDIOPATHY. Identifiers: Orphanet 217569, MedGen C0007194, MeSH D002312, MONDO:0005045, HP:0001639.

Allele frequency attached by ClinVar (database versions not stated): ESP Exome Variant Server 0.00538; gnomAD 0.00831 and 0.00893; TOPMed 0.00872; gnomAD exomes 0.00960 and 0.01339; 1000 Genomes Project 0.01118; 1000 Genomes Project 30x 0.01202; ExAC 0.01271.
gnomAD v4.1: 15,312 of 1,614,212 alleles (0.95%); highest among the groups gnomAD compares: South Asian, 2.9%; 148 homozygotes.

Submissions (22):

ClinGen Cardiomyopathy Variant Curation Expert Panel
Classification: Benign for Hypertrophic cardiomyopathy. Last evaluated: 2025-11-11. Review status: reviewed by expert panel. Criteria: ClinGen CMP ACMG Specifications MYH7 V2.0.0. Collection method: curation. Allele origin: germline. Inheritance: Autosomal dominant inheritance.
Comment: The filtering allele frequency of the c.4566T>C (p.Thr1522=) variant in the MYH7 gene is 2.98% (376/11574) of Latino chromosomes by the Exome Aggregation Consortium, which is a high enough frequency to be classified as benign based on thresholds defined by the ClinGen Inherited Cardiomyopathy Expert Panel (BA1; PMID:29300372).

Molecular Diagnostic Laboratory for Inherited Cardiovascular Disease, Montreal Heart Institute
Classification: Benign. Last evaluated: 2026-03-27. Review status: criteria provided, single submitter. Criteria: ACMG Guidelines, 2015. Collection method: clinical testing. Allele origin: germline. Affected: no. Not counted in ClinVar's aggregate classification.

Labcorp Genetics (formerly Invitae), Labcorp
Classification: Benign for Hypertrophic cardiomyopathy. Last evaluated: 2026-02-04. Review status: criteria provided, single submitter. Criteria: Invitae Variant Classification Sherloc (09022015). Collection method: clinical testing. Allele origin: germline. Not counted in ClinVar's aggregate classification.

ARUP Laboratories, Molecular Genetics and Genomics, ARUP Laboratories
Classification: Benign. Last evaluated: 2025-07-10. Review status: criteria provided, single submitter. Criteria: ARUP Molecular Germline Variant Investigation Process 2024. Collection method: clinical testing. Allele origin: germline. Not counted in ClinVar's aggregate classification.

Blueprint Genetics
Classification: Likely benign. Last evaluated: 2024-11-27. Review status: criteria provided, single submitter. Criteria: ACMG Guidelines, 2015. Collection method: clinical testing. Allele origin: germline. Not counted in ClinVar's aggregate classification.

Mayo Clinic Laboratories, Mayo Clinic
Classification: Benign. Last evaluated: 2023-08-18. Review status: criteria provided, single submitter. Criteria: ACMG Guidelines, 2015. Collection method: clinical testing. Allele origin: germline. Observed: 47 variant alleles. Not counted in ClinVar's aggregate classification.
Comment: BA1, BS2, BP4, BP7

Cohesion Phenomics
Classification: Benign for Hypertrophic Cardiomyopathy. Last evaluated: 2022-10-10. Review status: criteria provided, single submitter. Criteria: ACMG Guidelines, 2015. Collection method: clinical testing. Allele origin: germline. Affected: yes. Not counted in ClinVar's aggregate classification.

Color Diagnostics, LLC DBA Color Health
Classification: Benign for Cardiomyopathy. Last evaluated: 2018-03-05. Review status: criteria provided, single submitter. Criteria: ACMG Guidelines, 2015. Collection method: clinical testing. Allele origin: germline. Not counted in ClinVar's aggregate classification.

Illumina Laboratory Services, Illumina
Classification: Benign for Myosin storage myopathy. Last evaluated: 2018-01-12. Review status: criteria provided, single submitter. Criteria: ICSL Variant Classification Criteria 13 December 2019. Collection method: clinical testing. Allele origin: germline. Not counted in ClinVar's aggregate classification.
Comment: This variant was observed in the ICSL laboratory as part of a predisposition screen in an ostensibly healthy population. It had not been previously curated by ICSL or reported in the Human Gene Mutation Database (HGMD: prior to June 1st, 2018), and was therefore a candidate for classification through an automated scoring system. Utilizing variant allele frequency, disease prevalence and penetrance estimates, and inheritance mode, an automated score was calculated to assess if this variant is too frequent to cause the disease. Based on the score and internal cut-off values, a variant classified as benign is not then subjected to further curation. The score for this variant resulted in a classification of benign for this disease.

Illumina Laboratory Services, Illumina
Classification: Benign for MYH7-related skeletal myopathy. Last evaluated: 2018-01-12. Review status: criteria provided, single submitter. Criteria: ICSL Variant Classification Criteria 13 December 2019. Collection method: clinical testing. Allele origin: germline. Not counted in ClinVar's aggregate classification.
Comment: the same text as in the submission from Illumina Laboratory Services, Illumina above.

Illumina Laboratory Services, Illumina
Classification: Likely benign for Hypertrophic cardiomyopathy 1. Last evaluated: 2018-01-12. Review status: criteria provided, single submitter. Criteria: ICSL Variant Classification Criteria 13 December 2019. Collection method: clinical testing. Allele origin: germline. Not counted in ClinVar's aggregate classification.
Comment: This variant was observed in the ICSL laboratory as part of a predisposition screen in an ostensibly healthy population. It had not been previously curated by ICSL or reported in the Human Gene Mutation Database (HGMD: prior to June 1st, 2018), and was therefore a candidate for classification through an automated scoring system. Utilizing variant allele frequency, disease prevalence and penetrance estimates, and inheritance mode, an automated score was calculated to assess if this variant is too frequent to cause the disease. Based on the score and internal cut-off values, a variant classified as likely benign is not then subjected to further curation. The score for this variant resulted in a classification of likely benign for this disease.

Ambry Genetics
Classification: Benign for Cardiovascular phenotype. Last evaluated: 2015-06-19. Review status: criteria provided, single submitter. Criteria: Ambry Variant Classification Scheme 2023. Collection method: clinical testing. Allele origin: germline. Not counted in ClinVar's aggregate classification.

GeneDx
Classification: Benign. Last evaluated: 2015-03-03. Review status: criteria provided, single submitter. Criteria: GeneDx Variant Classification Process June 2021. Collection method: clinical testing. Allele origin: germline. Affected: yes. Not counted in ClinVar's aggregate classification.

Laboratory for Molecular Medicine, Mass General Brigham Personalized Medicine
Classification: Benign. Last evaluated: 2008-03-25. Review status: criteria provided, single submitter. Criteria: LMM Criteria. Collection method: clinical testing. Allele origin: germline. Observed: 103 variant alleles. Not counted in ClinVar's aggregate classification.

Breakthrough Genomics
Classification: Benign. Review status: criteria provided, single submitter. Criteria: ACMG Guidelines, 2015. Collection method: not provided. Allele origin: germline. Inheritance: Autosomal recessive inheritance. Affected: yes. Not counted in ClinVar's aggregate classification.

PreventionGenetics, part of Exact Sciences
Classification: Benign. Review status: criteria provided, single submitter. Criteria: ACMG Guidelines, 2015. Collection method: clinical testing. Allele origin: germline. Not counted in ClinVar's aggregate classification.

Clinical Genetics DNA and cytogenetics Diagnostics Lab, Erasmus MC, Erasmus Medical Center
Classification: Benign. Review status: no assertion criteria provided. Collection method: clinical testing. Allele origin: germline. Affected: yes. Study: VKGL Data-share Consensus. Not counted in ClinVar's aggregate classification.

Clinical Genetics, Academic Medical Center
Classification: Benign. Review status: no assertion criteria provided. Collection method: clinical testing. Allele origin: germline. Affected: yes. Study: VKGL Data-share Consensus. Not counted in ClinVar's aggregate classification.

Diagnostic Laboratory, Department of Genetics, University Medical Center Groningen
Classification: Likely benign. Review status: no assertion criteria provided. Collection method: clinical testing. Allele origin: germline. Affected: yes. Study: VKGL Data-share Consensus. Not counted in ClinVar's aggregate classification.

Genetic Services Laboratory, University of Chicago
Classification: Likely benign for AllHighlyPenetrant. Review status: no assertion criteria provided. Collection method: clinical testing. Allele origin: germline. Inheritance: Autosomal dominant inheritance. Not counted in ClinVar's aggregate classification.
Comment: Likely benign based on allele frequency in 1000 Genomes Project or ESP global frequency and its presence in a patient with a rare or unrelated disease phenotype. NOT Sanger confirmed.

Joint Genome Diagnostic Labs from Nijmegen and Maastricht, Radboudumc and MUMC+
Classification: Benign. Review status: no assertion criteria provided. Collection method: clinical testing. Allele origin: germline. Affected: yes. Study: VKGL Data-share Consensus. Not counted in ClinVar's aggregate classification.

Laboratory of Diagnostic Genome Analysis, Leiden University Medical Center (LUMC)
Classification: Likely benign. Review status: no assertion criteria provided. Collection method: clinical testing. Allele origin: germline. Affected: yes. Study: VKGL Data-share Consensus. Not counted in ClinVar's aggregate classification.

Literature cited by the submitters: PubMed 29300372 (cited by ClinGen Cardiomyopathy Variant Curation Expert Panel).

NM_000257.4(MYH7):c.4566T>C (p.Thr1522=)

Genes: MHRT (myosin heavy chain associated RNA transcript; plus strand), MYH7 (myosin heavy chain 7; minus strand). Cytogenetic location: 14q11.2.
Variant type: single nucleotide variant.
Coding change: c.4566T>C on transcript NM_000257.4 (MANE Select); coding-DNA position 4566, T replaced by C.
Protein change: p.Thr1522=; no amino-acid change (threonine 1522 retained).
Molecular consequence: synonymous variant. On other transcripts: non-coding transcript variant (1).
Genome position (GRCh38, 1-based): chr14:23,416,946, A>G on the plus strand (T>C on the coding strand, the complement: MYH7 is on the minus strand). VCF-style: chr14-23416946-A-G. GRCh37 (hg19) VCF-style: chr14-23886155-A-G.
Other names: NM_000257.3(MYH7):c.4566T>C.
Identifiers: ClinVar variation 43027 (VCV000043027.57), dbSNP rs2754155, ClinGen allele CA015116.
Genomic context (GRCh38, chr14:23,416,946, plus strand): 5'-TGACTGCAGCTCCATCTTCTCGGCCTCCAGCTGCTTTCGGACCTTCTCCAGCTCATGGAT[A>G]GTCTTTCCGCTGGAACCCAACTGCTCAGTCAAGTCGGAGATCTCCTCTGTGTGGGGAACA-3'
Protein context (NP_000248.2, residues 1512-1532): LTEQLGSSGK[Thr1522=]IHELEKVRKQ